The following is an entry in ClinVar:

NM_001376.5(DYNC1H1):c.12663G>A (p.Thr4221=)

Gene: DYNC1H1 (dynein cytoplasmic 1 heavy chain 1; plus strand). Cytogenetic location: 14q32.31.
Variant type: single nucleotide variant.
Coding change: c.12663G>A on transcript NM_001376.5 (MANE Select); coding-DNA position 12663, G replaced by A.
Protein change: p.Thr4221=; no amino-acid change (threonine 4221 retained).
Molecular consequence: synonymous variant.
Genome position (GRCh38, 1-based): chr14:102,044,024, G>A. VCF-style: chr14-102044024-G-A. GRCh37 (hg19) VCF-style: chr14-102510361-G-A.
Other names: p.Thr4221=.
Identifiers: ClinVar variation 383866 (VCV000383866.21), dbSNP rs145849008, ClinGen allele CA16606503.

ClinVar aggregate classification (germline): Likely benign. Review status: criteria provided, multiple submitters, no conflicts (2 of 4 stars). 4 submissions from 4 submitters: Likely benign (4). Last evaluated 2025-09-21.

Conditions:
Charcot-Marie-Tooth disease axonal type 2O. Also called: CHARCOT-MARIE-TOOTH NEUROPATHY, AXONAL, TYPE 2O; CHARCOT-MARIE-TOOTH DISEASE, AXONAL, AUTOSOMAL DOMINANT, TYPE 2O; Charcot-Marie-Tooth disease, axonal, type 20; Charcot-Marie-Tooth Neuropathy Type 2O. Identifiers: Orphanet 284232, MedGen C3280220, MONDO:0013644, OMIM 614228.

Allele frequency attached by ClinVar (database versions not stated): TOPMed 0.00004; gnomAD 0.00005 and 0.00006; ESP Exome Variant Server 0.00008.
gnomAD v4.1: 49 of 1,613,912 alleles (0.003%); highest among the groups gnomAD compares: South Asian, 0.0044%; 1 homozygote.

Submissions (4):

Labcorp Genetics (formerly Invitae), Labcorp
Classification: Likely benign for Charcot-Marie-Tooth disease axonal type 2O. Last evaluated: 2025-09-21. Review status: criteria provided, single submitter. Criteria: Invitae Variant Classification Sherloc (09022015). Collection method: clinical testing. Allele origin: germline.

CeGaT Center for Human Genetics Tuebingen
Classification: Likely benign. Last evaluated: 2025-05-01. Review status: criteria provided, single submitter. Criteria: CeGaT Center For Human Genetics Tuebingen Variant Classification Criteria Version 2. Collection method: clinical testing. Allele origin: germline. Affected: yes. Observed: 1 variant allele.
Comment: DYNC1H1: BP4, BP7

Mayo Clinic Laboratories, Mayo Clinic
Classification: Likely benign. Last evaluated: 2025-04-11. Review status: criteria provided, single submitter. Criteria: ACMG Guidelines, 2015. Collection method: clinical testing. Allele origin: germline. Observed: 1 variant allele.
Comment: BP4, BP7

GeneDx
Classification: Likely benign. Last evaluated: 2016-02-29. Review status: criteria provided, single submitter. Criteria: GeneDx Variant Classification (06012015). Collection method: clinical testing. Allele origin: germline. Affected: yes.
Comment: This variant is considered likely benign or benign based on one or more of the following criteria: it is a conservative change, it occurs at a poorly conserved position in the protein, it is predicted to be benign by multiple in silico algorithms, and/or has population frequency not consistent with disease.